The following is an entry in ClinVar:

NM_000390.4(CHM):c.1634G>A (p.Arg545Lys)

Gene: CHM (CHM Rab escort protein; minus strand). Cytogenetic location: Xq21.2.
Variant type: single nucleotide variant.
Coding change: c.1634G>A on transcript NM_000390.4 (MANE Select); coding-DNA position 1634, G replaced by A.
Protein change: p.Arg545Lys; replaces arginine 545 with lysine.
Molecular consequence: missense variant.
Genome position (GRCh38, 1-based): chrX:85,873,188, C>T on the plus strand (G>A on the coding strand, the complement: CHM is on the minus strand). VCF-style: chrX-85873188-C-T. GRCh37 (hg19) VCF-style: chrX-85128193-C-T.
Other names: c.1190G>A, p.Arg397Lys (NM_001320959.1, NM_001362517.1, NM_001362518.2 and 1 more transcripts); short protein forms R545K, R397K.
Identifiers: ClinVar variation 1433986 (VCV001433986.7), dbSNP rs767228121, ClinGen allele CA10465336.

ClinVar aggregate classification (germline): Uncertain significance (1 of 4 stars; one submission).

Allele frequency attached by ClinVar (database versions not stated): ExAC 0.00002.

Submission:

Labcorp Genetics (formerly Invitae), Labcorp
Classification: Uncertain significance. Last evaluated: 2024-10-15. Review status: criteria provided, single submitter. Criteria: Invitae Variant Classification Sherloc (09022015). Collection method: clinical testing. Allele origin: germline.
Comment: This sequence change replaces arginine, which is basic and polar, with lysine, which is basic and polar, at codon 545 of the CHM protein (p.Arg545Lys). This variant is present in population databases (rs767228121, gnomAD 0.009%). This variant has not been reported in the literature in individuals affected with CHM-related conditions. ClinVar contains an entry for this variant (Variation ID: 1433986). Invitae Evidence Modeling of protein sequence and biophysical properties (such as structural, functional, and spatial information, amino acid conservation, physicochemical variation, residue mobility, and thermodynamic stability) indicates that this missense variant is not expected to disrupt CHM protein function with a negative predictive value of 80%. In summary, the available evidence is currently insufficient to determine the role of this variant in disease. Therefore, it has been classified as a Variant of Uncertain Significance.